The following is an entry in ClinVar:

ClinVar aggregate classification (germline): Pathogenic (1 of 4 stars; one submission).

Submission:

ISCA site 14
Classification: Pathogenic. Last evaluated: 2011-08-12. Review status: criteria provided, single submitter. Criteria: Kaminsky et al. (Genet Med. 2011). Collection method: clinical testing. Allele origin: unknown. Affected: yes. Observed: 1 variant allele.
Comment: Copy number variation identified through the course of routine clinical cytogenomic testing in postnatal populations. Clinical assertions have been curated as described in Kaminsky et al. 2011.

GRCh38/hg38 2q37.3(chr2:237526184-241996090)x1

Genes: UICLM (up-regulated in colorectal cancer liver metastasis; minus strand), AGXT (alanine--glyoxylate aminotransferase; plus strand), ANKMY1 (ankyrin repeat and MYND domain containing 1; minus strand), ANO7 (anoctamin 7; plus strand), AQP12A (aquaporin 12A; plus strand) and 248 more. Cytogenetic location: 2q37.3.
Variant type: copy number loss.
Change: copy number 1 (one copy instead of two) of chr2:237,526,184-241,996,090 (4.47 Mb, GRCh38 coordinates, 1-based), cytogenetic band 2q37.3.
Identifiers: ClinVar variation 58885 (VCV000058885.1).